The following is an entry in ClinVar:

ClinVar aggregate classification (germline): Pathogenic (1 of 4 stars; one submission).

Conditions:
Baller-Gerold syndrome (BGS). Also called: CRANIOSYNOSTOSIS WITH RADIAL DEFECTS. Identifiers: Orphanet 1225, MedGen C0265308, MONDO:0009039, OMIM 218600.

Submission:

Labcorp Genetics (formerly Invitae), Labcorp
Classification: Pathogenic for Baller-Gerold syndrome. Last evaluated: 2020-07-27. Review status: criteria provided, single submitter. Criteria: Invitae Variant Classification Sherloc (09022015). Collection method: clinical testing. Allele origin: germline.
Comment: This sequence change creates a premature translational stop signal (p.Arg1062Profs*33) in the RECQL4 gene. It is expected to result in an absent or disrupted protein product. This variant is not present in population databases (ExAC no frequency). This variant has not been reported in the literature in individuals with RECQL4-related conditions. Loss-of-function variants in RECQL4 are known to be pathogenic (PMID: 12734318, 12952869). For these reasons, this variant has been classified as Pathogenic.

Literature cited by the submitters: PubMed 12734318; PubMed 12952869.

NM_004260.4(RECQL4):c.3184dup (p.Arg1062fs)

Gene: RECQL4 (RecQ like helicase 4; minus strand). Cytogenetic location: 8q24.3.
Variant type: Duplication.
Coding change: c.3184dup on transcript NM_004260.4 (MANE Select); coding-DNA position 3184, one base duplicated (C; older notation c.3184dupC).
Protein change: p.Arg1062fs; shifts the reading frame from arginine 1062.
Molecular consequence: frameshift variant.
Genome position (GRCh38, 1-based): chr8:144,512,196, G duplicated on the plus strand (C on the coding strand, the reverse complement: RECQL4 is on the minus strand); the first of 3 consecutive G bases (chr8:144,512,196-144,512,198); duplicating any one gives the same sequence. VCF-style (leftmost placement, unchanged base first): chr8-144512195-C-CG. GRCh37 (hg19) VCF-style: chr8-145737578-C-CG.
Other names: short protein forms R1062fs.
Identifiers: ClinVar variation 1076729 (VCV001076729.5), dbSNP rs2130658485, ClinGen allele CA2499219176.
Genomic context (GRCh38, chr8:144,512,195, plus strand): 5'-CCTCCCAACCTGTGAAAGGCCTGGAAGGTTCTGCGCAGACGGGCCAGGGCCTGGCGCTCC[C>CG]GGGCCTGCACACGGCCATAGAGGAAGTCACATATCTGGTCCTTCTCCTCAGCGGTCAAGT-3'